The following is an entry in ClinVar:

NM_021076.4(NEFH):c.339C>G (p.Asp113Glu)

Gene: NEFH (neurofilament heavy chain; plus strand). Cytogenetic location: 22q12.2.
Variant type: single nucleotide variant.
Coding change: c.339C>G on transcript NM_021076.4 (MANE Select); coding-DNA position 339, C replaced by G.
Protein change: p.Asp113Glu; replaces aspartic acid 113 with glutamic acid.
Molecular consequence: missense variant.
Genome position (GRCh38, 1-based): chr22:29,480,601, C>G. VCF-style: chr22-29480601-C-G. GRCh37 (hg19) VCF-style: chr22-29876590-C-G.
Other names: short protein forms D113E.
Identifiers: ClinVar variation 5039978 (VCV005039978.1).
Genomic context (GRCh38, chr22:29,480,601, plus strand): 5'-CTCACGCAGTGAGAAGGAGCAGCTGCAGGCGCTGAACGACCGCTTCGCCGGGTACATCGA[C>G]AAGGTGCGGCAGCTGGAGGCGCACAACCGCAGCCTGGAGGGCGAGGCTGCGGCGCTGCGG-3'
Protein context (NP_066554.2, residues 103-123): ALNDRFAGYI[Asp113Glu]KVRQLEAHNR

ClinVar aggregate classification (germline): Uncertain significance (1 of 4 stars; one submission).

gnomAD v4.1: 1 of 1,563,352 alleles (0.000064%); highest among the groups gnomAD compares: Non-Finnish European, 0.000086%; no homozygotes.

Submission:

CeGaT Center for Human Genetics Tuebingen
Classification: Uncertain significance. Last evaluated: 2026-07-01. Review status: criteria provided, single submitter. Criteria: CeGaT Center For Human Genetics Tuebingen Variant Classification Criteria Version 2. Collection method: clinical testing. Allele origin: germline. Affected: yes. Observed: 1 variant allele.
Comment: NEFH: PM2